The following is an entry in ClinVar:

ClinVar aggregate classification (germline): Uncertain significance (1 of 4 stars; one submission).

gnomAD v4.1: 50 of 1,614,000 alleles (0.0031%); highest among the groups gnomAD compares: Admixed American, 0.018%; no homozygotes.

Submission:

Labcorp Genetics (formerly Invitae), Labcorp
Classification: Uncertain significance. Last evaluated: 2025-10-21. Review status: criteria provided, single submitter. Criteria: Invitae Variant Classification Sherloc (09022015). Collection method: clinical testing. Allele origin: germline.
Comment: This sequence change replaces histidine, which is basic and polar, with arginine, which is basic and polar, at codon 42 of the IGSF10 protein (p.His42Arg). This variant is present in population databases (rs751989879, gnomAD 0.02%). This variant has not been reported in the literature in individuals affected with IGSF10-related conditions. An algorithm developed to predict the effect of missense changes on protein structure and function (PolyPhen-2) suggests that this variant is likely to be disruptive. Algorithms developed to predict the effect of sequence changes on RNA splicing suggest that this variant may create or strengthen a splice site. In summary, the available evidence is currently insufficient to determine the role of this variant in disease. Therefore, it has been classified as a Variant of Uncertain Significance.

NM_178822.5(IGSF10):c.125A>G (p.His42Arg)

Gene: IGSF10 (immunoglobulin superfamily member 10; minus strand). Cytogenetic location: 3q25.1.
Variant type: single nucleotide variant.
Coding change: c.125A>G on transcript NM_178822.5 (MANE Select); coding-DNA position 125, A replaced by G.
Protein change: p.His42Arg; replaces histidine 42 with arginine.
Molecular consequence: missense variant.
Genome position (GRCh38, 1-based): chr3:151,458,585, T>C on the plus strand (A>G on the coding strand, the complement: IGSF10 is on the minus strand). VCF-style: chr3-151458585-T-C. GRCh37 (hg19) VCF-style: chr3-151176373-T-C.
Other names: c.125A>G, p.His42Arg (NM_001385060.1, NM_001385061.1, NM_001385062.1 and 1 more transcripts); short protein forms H42R.
Identifiers: ClinVar variation 4693478 (VCV004693478.1).